The following is an entry in ClinVar:

NM_000052.7(ATP7A):c.279G>A (p.Thr93=)

Gene: ATP7A (ATPase copper transporting alpha; plus strand). Cytogenetic location: Xq21.1.
Variant type: single nucleotide variant.
Coding change: c.279G>A on transcript NM_000052.7 (MANE Select); coding-DNA position 279, G replaced by A.
Protein change: p.Thr93=; no amino-acid change (threonine 93 retained).
Molecular consequence: synonymous variant.
Genome position (GRCh38, 1-based): chrX:77,988,400, G>A. VCF-style: chrX-77988400-G-A. GRCh37 (hg19) VCF-style: chrX-77243896-G-A.
Other names: c.279G>A, p.Thr93= (NM_001282224.2).
Identifiers: ClinVar variation 3752617 (VCV003752617.2).

ClinVar aggregate classification (germline): Uncertain significance (1 of 4 stars; one submission).

Conditions:
Menkes kinky-hair syndrome (MNK). Also called: Copper transport disease; Menkes Disease; Classic Menkes Disease. Identifiers: Orphanet 565, MedGen C0022716, MONDO:0010651, OMIM 309400.
X-linked distal spinal muscular atrophy type 3. Also called: ATP7A-Related Distal Motor Neuropathy; SPINAL MUSCULAR ATROPHY, DISTAL, X-LINKED RECESSIVE; NEURONOPATHY, DISTAL HEREDITARY MOTOR, X-LINKED; NEUROPATHY, DISTAL HEREDITARY MOTOR, X-LINKED. Identifiers: Orphanet 139557, MedGen C1845359, MONDO:0010338, OMIM 300489.
Cutis laxa, X-linked (OHS). Also called: EDS IX; Occipital horn syndrome. Identifiers: Orphanet 198, MedGen C0268353, MONDO:0010572, OMIM 304150.

gnomAD v4.1: 1 of 1,209,494 alleles (0.000083%); highest among the groups gnomAD compares: Non-Finnish European, 0.00011%; no homozygotes.

Submission:

Labcorp Genetics (formerly Invitae), Labcorp
Classification: Uncertain significance for X-linked distal spinal muscular atrophy type 3; Cutis laxa, X-linked; Menkes kinky-hair syndrome. Last evaluated: 2025-04-02. Review status: criteria provided, single submitter. Criteria: Invitae Variant Classification Sherloc (09022015). Collection method: clinical testing. Allele origin: germline.
Comment: This sequence change affects codon 93 of the ATP7A mRNA. It is a 'silent' change, meaning that it does not change the encoded amino acid sequence of the ATP7A protein. This variant is not present in population databases (gnomAD no frequency). This variant has not been reported in the literature in individuals affected with ATP7A-related conditions. ClinVar contains an entry for this variant (Variation ID: 3752617). Algorithms developed to predict the effect of sequence changes on RNA splicing suggest that this variant may create or strengthen a splice site. In summary, the available evidence is currently insufficient to determine the role of this variant in disease. Therefore, it has been classified as a Variant of Uncertain Significance.